The following is an entry in ClinVar:

NM_002907.4(RECQL):c.1847A>T (p.Glu616Val)

Genes: PYROXD1 (pyridine nucleotide-disulphide oxidoreductase domain 1; plus strand), RECQL (RecQ like helicase; minus strand). Cytogenetic location: 12p12.1.
Variant type: single nucleotide variant.
Coding change: c.1847A>T on transcript NM_002907.4 (MANE Select); coding-DNA position 1847, A replaced by T.
Protein change: p.Glu616Val; replaces glutamic acid 616 with valine.
Molecular consequence: missense variant. On other transcripts: 3 prime UTR variant (3).
Genome position (GRCh38, 1-based): chr12:21,470,297, T>A on the plus strand (A>T on the coding strand, the complement: RECQL is on the minus strand). VCF-style: chr12-21470297-T-A. GRCh37 (hg19) VCF-style: chr12-21623231-T-A.
Other names: c.1847A>T, p.Glu616Val (NM_032941.3); c.*1543T>A (NM_001350912.2, NM_001350913.2, NM_024854.5); short protein forms E616V.
Identifiers: ClinVar variation 1781257 (VCV001781257.3), dbSNP rs1942907377, ClinGen allele CA384113867.

ClinVar aggregate classification (germline): Uncertain significance (1 of 4 stars; one submission).

Submission:

Ambry Genetics
Classification: Uncertain significance. Last evaluated: 2025-04-11. Review status: criteria provided, single submitter. Criteria: Ambry Variant Classification Scheme 2023. Collection method: clinical testing. Allele origin: germline.
Comment: The p.E616V variant (also known as c.1847A>T), located in coding exon 14 of the RECQL gene, results from an A to T substitution at nucleotide position 1847. The glutamic acid at codon 616 is replaced by valine, an amino acid with dissimilar properties. This amino acid position is conserved. In addition, this alteration is predicted to be tolerated by in silico analysis. Since supporting evidence is limited at this time, the clinical significance of this alteration remains unclear.